The following is an entry in ClinVar:

NM_001287491.2(TET3):c.658C>A (p.Leu220Ile)

Gene: TET3 (tet methylcytosine dioxygenase 3; plus strand). Cytogenetic location: 2p13.1.
Variant type: single nucleotide variant.
Coding change: c.658C>A on transcript NM_001287491.2 (MANE Select); coding-DNA position 658, C replaced by A.
Protein change: p.Leu220Ile; replaces leucine 220 with isoleucine.
Molecular consequence: missense variant.
Genome position (GRCh38, 1-based): chr2:74,046,575, C>A. VCF-style: chr2-74046575-C-A. GRCh37 (hg19) VCF-style: chr2-74273702-C-A.
Other names: c.379C>A, p.Leu127Ile (NM_001366022.1); short protein forms L127I, L220I.
Identifiers: ClinVar variation 4076894 (VCV004076894.1).

ClinVar aggregate classification (germline): Uncertain significance (1 of 4 stars; one submission).

Submission:

GeneDx
Classification: Uncertain significance. Last evaluated: 2025-02-24. Review status: criteria provided, single submitter. Criteria: GeneDx Variant Classification Process June 2021. Collection method: clinical testing. Allele origin: germline. Affected: yes.
Comment: Not observed at significant frequency in large population cohorts (gnomAD); In silico analysis indicates that this missense variant does not alter protein structure/function; Has not been previously published as pathogenic or benign to our knowledge